The following is an entry in ClinVar:

ClinVar aggregate classification (germline): Benign/Likely benign. Review status: criteria provided, multiple submitters, no conflicts (2 of 4 stars). 8 submissions from 8 submitters: Benign (1); Likely benign (6). 1 of the submissions does not count toward it. Last evaluated 2025-10-27.

Conditions:
ANKRD26-related disorder. Also called: ANKRD26-related condition.
Inborn genetic diseases. Identifiers: MedGen C0950123, MeSH D030342.

Allele frequency attached by ClinVar (database versions not stated): gnomAD exomes 0.00020; ExAC 0.00025; 1000 Genomes Project 30x 0.00047; 1000 Genomes Project 0.00060; gnomAD 0.00079; TOPMed 0.00080; ESP Exome Variant Server 0.00093.
gnomAD v4.1: 208 of 1,612,726 alleles (0.013%); highest among the groups gnomAD compares: African/African-American, 0.23%; no homozygotes.

Submissions (8):

Labcorp Genetics (formerly Invitae), Labcorp
Classification: Benign. Last evaluated: 2025-10-27. Review status: criteria provided, single submitter. Criteria: Invitae Variant Classification Sherloc (09022015). Collection method: clinical testing. Allele origin: germline.

Mayo Clinic Laboratories, Mayo Clinic
Classification: Likely benign. Last evaluated: 2025-10-20. Review status: criteria provided, single submitter. Criteria: ACMG Guidelines, 2015. Collection method: clinical testing. Allele origin: germline. Observed: 1 variant allele.
Comment: BP4, BP7

Ambry Genetics
Classification: Likely benign for Inborn genetic diseases. Last evaluated: 2024-10-02. Review status: criteria provided, single submitter. Criteria: Ambry Variant Classification Scheme 2023. Collection method: clinical testing. Allele origin: germline.

Blueprint Genetics
Classification: Likely benign. Last evaluated: 2024-01-22. Review status: criteria provided, single submitter. Criteria: ACMG Guidelines, 2015. Collection method: clinical testing. Allele origin: germline.

GeneDx
Classification: Likely benign. Last evaluated: 2021-03-31. Review status: criteria provided, single submitter. Criteria: GeneDx Variant Classification Process June 2021. Collection method: clinical testing. Allele origin: germline. Affected: yes.

Genetic Services Laboratory, University of Chicago
Classification: Likely benign. Last evaluated: 2020-10-01. Review status: criteria provided, single submitter. Criteria: ACMG Guidelines, 2015. Collection method: clinical testing. Allele origin: germline. Affected: no.

Breakthrough Genomics
Classification: Likely benign. Review status: criteria provided, single submitter. Criteria: ACMG Guidelines, 2015. Collection method: not provided. Allele origin: germline. Inheritance: Autosomal dominant inheritance. Affected: yes.

PreventionGenetics, part of Exact Sciences
Classification: Likely benign for ANKRD26-related condition. Last evaluated: 2019-11-22. Review status: no assertion criteria provided. Collection method: clinical testing. Allele origin: germline. Not counted in ClinVar's aggregate classification.
Comment: This variant is classified as likely benign based on ACMG/AMP sequence variant interpretation guidelines (Richards et al. 2015 PMID: 25741868, with internal and published modifications).

NM_014915.3(ANKRD26):c.3735G>A (p.Thr1245=)

Gene: ANKRD26 (ankyrin repeat domain 26; minus strand). Cytogenetic location: 10p12.1.
Variant type: single nucleotide variant.
Coding change: c.3735G>A on transcript NM_014915.3 (MANE Select); coding-DNA position 3735, G replaced by A.
Protein change: p.Thr1245=; no amino-acid change (threonine 1245 retained).
Molecular consequence: synonymous variant.
Genome position (GRCh38, 1-based): chr10:27,033,297, C>T on the plus strand (G>A on the coding strand, the complement: ANKRD26 is on the minus strand). VCF-style: chr10-27033297-C-T. GRCh37 (hg19) VCF-style: chr10-27322226-C-T.
Other names: p.Thr1245=; c.3732G>A, p.Thr1244= (NM_001256053.2).
Identifiers: ClinVar variation 1301264 (VCV001301264.15), dbSNP rs199716344, ClinGen allele CA5447969.
Genomic context (GRCh38, chr10:27,033,297, plus strand): 5'-TTGACCTAATTTCTTCTTTAAATCCTGTGTCTCATCTTCTAAATTAATACGATAACGTGA[C>T]GTAACCTCCAGTGAAGCCTCTGACATAGATTGTTTTTTTAGGGTATCAGCTAGTTCTTGT-3'
Protein context (NP_055730.2, residues 1235-1255): QSMSEASLEV[Thr1245=]SRYRINLEDE